The following is an entry in ClinVar:

NM_031935.3(HMCN1):c.13582+5G>A

Gene: HMCN1 (hemicentin 1; plus strand). Cytogenetic location: 1q31.1.
Variant type: single nucleotide variant.
Coding change: c.13582+5G>A on transcript NM_031935.3 (MANE Select); 5 bases into the intron after coding-DNA position 13582, G replaced by A.
Molecular consequence: intron variant.
Genome position (GRCh38, 1-based): chr1:186,136,942, G>A. VCF-style: chr1-186136942-G-A. GRCh37 (hg19) VCF-style: chr1-186106074-G-A.
Identifiers: ClinVar variation 2082382 (VCV002082382.5), dbSNP rs759051932, ClinGen allele CA1294677.
Genomic context (GRCh38, chr1:186,136,942, plus strand): 5'-TGTTGCTCGAAACTTAATGGGTTCTGTCCTTGTCAGAGTGCCAGTCATAGTCCAGGGTGA[G>A]TGTGATCAGAGGAATATTCATAGTAAACAGTACCTGGGGTGACTCAAATCATGGAAATTA-3'

ClinVar aggregate classification (germline): Uncertain significance (1 of 4 stars; one submission).

Allele frequency attached by ClinVar (database versions not stated): ExAC 0.00002.
gnomAD v4.1: 2 of 1,612,976 alleles (0.00012%); highest among the groups gnomAD compares: Non-Finnish European, 0.00017%; no homozygotes.

Submissions (2):

Labcorp Genetics (formerly Invitae), Labcorp
Classification: Uncertain significance. Last evaluated: 2022-08-23. Review status: criteria provided, single submitter. Criteria: Invitae Variant Classification Sherloc (09022015). Collection method: clinical testing. Allele origin: germline.
Comment: This sequence change falls in intron 87 of the HMCN1 gene. It does not directly change the encoded amino acid sequence of the HMCN1 protein. It affects a nucleotide within the consensus splice site. This variant is present in population databases (rs759051932, gnomAD 0.0009%). This variant has not been reported in the literature in individuals affected with HMCN1-related conditions. Variants that disrupt the consensus splice site are a relatively common cause of aberrant splicing (PMID: 17576681, 9536098). Algorithms developed to predict the effect of sequence changes on RNA splicing suggest that this variant may disrupt the consensus splice site. In summary, the available evidence is currently insufficient to determine the role of this variant in disease. Therefore, it has been classified as a Variant of Uncertain Significance.

Dr. Peter K. Rogan Lab, Western University
No classification provided (evidence only). Condition: Ovarian serous cystadenocarcinoma. Review status: no classification provided. Collection method: in vitro. Allele origin: not applicable. Functional consequence: retained intron. Not counted in ClinVar's aggregate classification.

Literature cited by the submitters: PubMed 17576681 (cited by Labcorp Genetics (formerly Invitae), Labcorp); PubMed 9536098 (cited by Labcorp Genetics (formerly Invitae), Labcorp).